The following is an entry in ClinVar:

ClinVar aggregate classification (germline): Benign/Likely benign. Review status: criteria provided, multiple submitters, no conflicts (2 of 4 stars). 3 submissions from 3 submitters: Benign (2); Likely benign (1). Last evaluated 2026-01-14.

Allele frequency attached by ClinVar (database versions not stated): gnomAD exomes 0.00039 and 0.00098; ExAC 0.00111; 1000 Genomes Project 30x 0.00344; 1000 Genomes Project 0.00399; ESP Exome Variant Server 0.00415; gnomAD 0.00427 and 0.00461; TOPMed 0.00461.
gnomAD v4.1: 1,261 of 1,613,848 alleles (0.078%); highest among the groups gnomAD compares: African/African-American, 1.5%; 8 homozygotes.

Submissions (3):

Labcorp Genetics (formerly Invitae), Labcorp
Classification: Benign. Last evaluated: 2026-01-14. Review status: criteria provided, single submitter. Criteria: Invitae Variant Classification Sherloc (09022015). Collection method: clinical testing. Allele origin: germline.

Mayo Clinic Laboratories, Mayo Clinic
Classification: Benign. Last evaluated: 2025-03-21. Review status: criteria provided, single submitter. Criteria: ACMG Guidelines, 2015. Collection method: clinical testing. Allele origin: germline. Observed: 4 variant alleles.
Comment: BA1

Blueprint Genetics
Classification: Likely benign. Last evaluated: 2024-10-02. Review status: criteria provided, single submitter. Criteria: ACMG Guidelines, 2015. Collection method: clinical testing. Allele origin: germline.

NM_001288705.3(CSF1R):c.417G>A (p.Ser139=)

Gene: CSF1R (colony stimulating factor 1 receptor; minus strand). Cytogenetic location: 5q32.
Variant type: single nucleotide variant.
Coding change: c.417G>A on transcript NM_001288705.3 (MANE Select); coding-DNA position 417, G replaced by A.
Protein change: p.Ser139=; no amino-acid change (serine 139 retained).
Molecular consequence: synonymous variant. On other transcripts: 5 prime UTR variant (1), non-coding transcript variant (2).
Genome position (GRCh38, 1-based): chr5:150,080,227, C>T on the plus strand (G>A on the coding strand, the complement: CSF1R is on the minus strand). VCF-style: chr5-150080227-C-T. GRCh37 (hg19) VCF-style: chr5-149459790-C-T.
Other names: p.Ser139=; c.417G>A, p.Ser139= (NM_001349736.2, NM_001375320.1, NM_005211.4); c.-28G>A (NM_001375321.1).
Identifiers: ClinVar variation 768045 (VCV000768045.13), dbSNP rs61753457, ClinGen allele CA3507182.
Genomic context (GRCh38, chr5:150,080,227, plus strand): 5'-CCAGGGCGAGAAGGAGTAGTTGGTGTGGCGCATGAGGGGCCGGCCACGCACACGCACCAG[C>T]GAGACGCCTGCTTCCAGCACCGGGTCTGTGAGCAGACAGGGCAGTAGTGCGTCCTGGTCC-3'
Protein context (NP_001275634.1, residues 129-149): LTDPVLEAGV[Ser139=]LVRVRGRPLM